The following is an entry in ClinVar:

NM_001377.3(DYNC2H1):c.3666dup (p.Thr1223fs)

Gene: DYNC2H1 (dynein cytoplasmic 2 heavy chain 1; plus strand). Cytogenetic location: 11q22.3.
Variant type: Duplication.
Coding change: c.3666dup on transcript NM_001377.3 (MANE Select); coding-DNA position 3666, one base duplicated (G; older notation c.3666dupG).
Protein change: p.Thr1223fs; shifts the reading frame from threonine 1223.
Molecular consequence: frameshift variant.
Genome position (GRCh38, 1-based): chr11:103,155,423, G duplicated; the last of 5 consecutive G bases (chr11:103,155,419-103,155,423); duplicating any one gives the same sequence. VCF-style (leftmost placement, unchanged base first): chr11-103155418-A-AG. GRCh37 (hg19) VCF-style: chr11-103026147-A-AG.
Other names: c.3666dup, p.Thr1223fs (NM_001080463.2); short protein forms T1223fs.
Identifiers: ClinVar variation 4992003 (VCV004992003.2).
Genomic context (GRCh38, chr11:103,155,418, plus strand): 5'-AGAGGGGAGCATCTTTCTCCAGATCACTGGCTTGACCTTTTTCGTCTCCTTGGACTTCCT[A>AG]GGGGGACTAGTCTAGAGAAACTACTGTTTGGTGATTTGCTCAGAGTAGCTGATACAATTG-3'

ClinVar aggregate classification (germline): Pathogenic/Likely pathogenic. Review status: criteria provided, multiple submitters, no conflicts (2 of 4 stars). 2 submissions from 2 submitters: Pathogenic (1); Likely pathogenic (1). Last evaluated 2026-08-29.

Conditions:
Asphyxiating thoracic dystrophy 3. Also called: SHORT-RIB THORACIC DYSPLASIA 3 WITH OR WITHOUT POLYDACTYLY; POLYDACTYLY WITH NEONATAL CHONDRODYSTROPHY, TYPE I; SHORT-RIB THORACIC DYSPLASIA 3/6 WITH POLYDACTYLY, DIGENIC; Short rib polydactyly syndrome 2B; Saldino-Noonan Syndrome. Identifiers: Orphanet 474, Orphanet 93269, Orphanet 93270, Orphanet 93271, MedGen C0036069, MONDO:0013127, OMIM 613091.
DYNC2H1-related disorder. Also called: DYNC2H1-related condition; DYNC2H1-related disorders. Identifiers: MedGen CN378770.

Submissions (2):

Myriad Genetics, Inc.
Classification: Pathogenic for Asphyxiating thoracic dystrophy 3. Last evaluated: 2026-08-29. Review status: criteria provided, single submitter. Criteria: Myriad Autosomal Dominant, Autosomal Recessive and X-Linked Classification Criteria (2023). Collection method: clinical testing. Allele origin: unknown.
Comment: NM_001377.2(DYNC2H1):c.3666dupG(T1223Dfs*2) is expected to be pathogenic in the context of DYNC2H1-related disorders. This variant is predicted to lead to an abnormal or absent protein product due to the creation of a premature termination codon in DYNC2H1, a gene where loss-of-function variants are known to be pathogenic. Please note: this variant was assessed in the context of healthy population screening.

PreventionGenetics, part of Exact Sciences
Classification: Likely pathogenic for DYNC2H1-related condition. Last evaluated: 2025-10-20. Review status: criteria provided, single submitter. Criteria: ACMG Guidelines, 2015. Collection method: clinical testing. Allele origin: germline.
Comment: The DYNC2H1 c.3666dupG variant is predicted to result in a frameshift and premature protein termination (p.Thr1223Aspfs*2). To our knowledge, this variant has not been reported in the literature or in a large population database (gnomAD), indicating this variant is rare. Frameshift variants in DYNC2H1 are expected to be pathogenic. This variant is interpreted as likely pathogenic.